The following is an entry in ClinVar:

ClinVar aggregate classification (germline): Benign. Review status: criteria provided, multiple submitters, no conflicts (2 of 4 stars). 3 submissions from 3 submitters: Benign (2). 1 of the submissions does not count toward it. Last evaluated 2019-12-31.

Conditions:
RFC1-related disorder. Also called: RFC1-Related Disorders; RFC1-related condition. Identifiers: MedGen CN382339.

Allele frequency attached by ClinVar (database versions not stated): gnomAD exomes 0.00228; ExAC 0.00274; 1000 Genomes Project 0.00779; gnomAD 0.00835 and 0.00905; 1000 Genomes Project 30x 0.00843; TOPMed 0.00998; ESP Exome Variant Server 0.01000.
gnomAD v4.1: 2,452 of 1,613,698 alleles (0.15%); highest among the groups gnomAD compares: African/African-American, 2.9%; 36 homozygotes.

Submissions (3):

Labcorp Genetics (formerly Invitae), Labcorp
Classification: Benign. Last evaluated: 2019-12-31. Review status: criteria provided, single submitter. Criteria: Invitae Variant Classification Sherloc (09022015). Collection method: clinical testing. Allele origin: germline.

Breakthrough Genomics
Classification: Benign. Review status: criteria provided, single submitter. Criteria: ACMG Guidelines, 2015. Collection method: not provided. Allele origin: germline. Inheritance: Autosomal recessive inheritance. Affected: yes.

PreventionGenetics, part of Exact Sciences
Classification: Benign for RFC1-related condition. Last evaluated: 2019-11-11. Review status: no assertion criteria provided. Collection method: clinical testing. Allele origin: germline. Not counted in ClinVar's aggregate classification.
Comment: This variant is classified as benign based on ACMG/AMP sequence variant interpretation guidelines (Richards et al. 2015 PMID: 25741868, with internal and published modifications).

NM_002913.5(RFC1):c.2860C>A (p.Gln954Lys)

Gene: RFC1 (replication factor C subunit 1; minus strand). Cytogenetic location: 4p14.
Variant type: single nucleotide variant.
Coding change: c.2860C>A on transcript NM_002913.5 (MANE Select); coding-DNA position 2860, C replaced by A.
Protein change: p.Gln954Lys; replaces glutamine 954 with lysine.
Molecular consequence: missense variant.
Genome position (GRCh38, 1-based): chr4:39,295,708, G>T on the plus strand (C>A on the coding strand, the complement: RFC1 is on the minus strand). VCF-style: chr4-39295708-G-T. GRCh37 (hg19) VCF-style: chr4-39297328-G-T.
Other names: c.2863C>A, p.Gln955Lys (NM_001204747.2); c.2782C>A, p.Gln928Lys (NM_001363495.2); c.2785C>A, p.Gln929Lys (NM_001363496.2); short protein forms Q954K, Q955K, Q928K, Q929K.
Identifiers: ClinVar variation 734652 (VCV000734652.7), dbSNP rs17335452, ClinGen allele CA2892713.
Genomic context (GRCh38, chr4:39,295,708, plus strand): 5'-TACGATCATGTTTGCCTGTAGACGAGTGCTTCCCCAGCCAGCTTGGGAAGGTGGGAAACT[G>T]GGTCATGTACCCCCTCATCAACTCTCCAGGAAGAACACTGGCATAAATGGCCTGAAAAAA-3'
Protein context (NP_002904.3, residues 944-964): PGELMRGYMT[Gln954Lys]FPTFPSWLGK